The following is an entry in ClinVar:

NM_003560.4(PLA2G6):c.471C>G (p.His157Gln)

Gene: PLA2G6 (phospholipase A2 group VI; minus strand). Cytogenetic location: 22q13.1.
Variant type: single nucleotide variant.
Coding change: c.471C>G on transcript NM_003560.4 (MANE Select); coding-DNA position 471, C replaced by G.
Protein change: p.His157Gln; replaces histidine 157 with glutamine.
Molecular consequence: missense variant. On other transcripts: 5 prime UTR variant (3).
Genome position (GRCh38, 1-based): chr22:38,143,243, G>C on the plus strand (C>G on the coding strand, the complement: PLA2G6 is on the minus strand). VCF-style: chr22-38143243-G-C. GRCh37 (hg19) VCF-style: chr22-38539250-G-C.
Other names: c.471C>G, p.His157Gln (NM_001004426.3, NM_001199562.3, NM_001349864.2 and 2 more transcripts); c.-64C>G (NM_001349867.2, NM_001349869.2); c.-20C>G (NM_001349868.2); short protein forms H157Q.
Identifiers: ClinVar variation 2002895 (VCV002002895.4), dbSNP rs2518056615, ClinGen allele CA411531959.

ClinVar aggregate classification (germline): Uncertain significance (1 of 4 stars; one submission).

Conditions:
Infantile neuroaxonal dystrophy (NBIA2A). Also called: NEURODEGENERATION WITH BRAIN IRON ACCUMULATION 2A; SEITELBERGER DISEASE; Infantile neuroaxonal dystrophy 1. Identifiers: Orphanet 35069, MedGen C0270724, MONDO:0024457, OMIM 256600.

Submission:

Labcorp Genetics (formerly Invitae), Labcorp
Classification: Uncertain significance for Infantile neuroaxonal dystrophy. Last evaluated: 2022-06-07. Review status: criteria provided, single submitter. Criteria: Invitae Variant Classification Sherloc (09022015). Collection method: clinical testing. Allele origin: germline.
Comment: This sequence change replaces histidine, which is basic and polar, with glutamine, which is neutral and polar, at codon 157 of the PLA2G6 protein (p.His157Gln). This variant is not present in population databases (gnomAD no frequency). This variant has not been reported in the literature in individuals affected with PLA2G6-related conditions. Advanced modeling of protein sequence and biophysical properties (such as structural, functional, and spatial information, amino acid conservation, physicochemical variation, residue mobility, and thermodynamic stability) performed at Invitae indicates that this missense variant is expected to disrupt PLA2G6 protein function. This variant disrupts the p.His157 amino acid residue in PLA2G6. Other variant(s) that disrupt this residue have been observed in individuals with PLA2G6-related conditions (PMID: 16783378), which suggests that this may be a clinically significant amino acid residue. In summary, the available evidence is currently insufficient to determine the role of this variant in disease. Therefore, it has been classified as a Variant of Uncertain Significance.

Literature cited by the submitters: PubMed 16783378.